The following is an entry in ClinVar:

NM_006351.4(TIMM44):c.342G>A (p.Thr114=)

Gene: TIMM44 (translocase of inner mitochondrial membrane 44; minus strand). Cytogenetic location: 19p13.2.
Variant type: single nucleotide variant.
Coding change: c.342G>A on transcript NM_006351.4 (MANE Select); coding-DNA position 342, G replaced by A.
Protein change: p.Thr114=; no amino-acid change (threonine 114 retained).
Molecular consequence: synonymous variant.
Genome position (GRCh38, 1-based): chr19:7,935,116, C>T on the plus strand (G>A on the coding strand, the complement: TIMM44 is on the minus strand). VCF-style: chr19-7935116-C-T. GRCh37 (hg19) VCF-style: chr19-8000001-C-T.
Other names: p.T114T:ACG>ACA.
Identifiers: ClinVar variation 137658 (VCV000137658.6), dbSNP rs11542189, ClinGen allele CA291311.

ClinVar aggregate classification (germline): Benign. Review status: criteria provided, multiple submitters, no conflicts (2 of 4 stars). 3 submissions from 3 submitters: Benign (2). 1 of the submissions does not count toward it. Last evaluated 2013-12-26.

Allele frequency attached by ClinVar (database versions not stated): gnomAD 0.09668 and 0.09397; ExAC 0.07074; 1000 Genomes Project 30x 0.08916; ESP Exome Variant Server 0.09957; 1000 Genomes Project 0.08706; TOPMed 0.09689; gnomAD exomes 0.06752.
gnomAD v4.1: 118,409 of 1,612,284 alleles (7.3%); highest among the groups gnomAD compares: African/African-American, 16%; 4,773 homozygotes.

Submissions (3):

GeneDx
Classification: Benign. Last evaluated: 2013-12-26. Review status: criteria provided, single submitter. Criteria: GeneDx Variant Classification (06012015). Collection method: clinical testing. Allele origin: germline. Affected: yes.
Comment: This variant is considered likely benign or benign based on one or more of the following criteria: it is a conservative change, it occurs at a poorly conserved position in the protein, it is predicted to be benign by multiple in silico algorithms, and/or has population frequency not consistent with disease.

Breakthrough Genomics
Classification: Benign. Review status: criteria provided, single submitter. Criteria: ACMG Guidelines, 2015. Collection method: not provided. Allele origin: germline. Inheritance: Unknown mechanism. Affected: yes.

Mayo Clinic Laboratories, Mayo Clinic
Classification: Benign. Last evaluated: 2016-02-23. Review status: no assertion criteria provided. Collection method: clinical testing. Allele origin: unknown. Not counted in ClinVar's aggregate classification.